The following is an entry in ClinVar:

ClinVar aggregate classification (germline): Uncertain significance. Review status: criteria provided, multiple submitters, no conflicts (2 of 4 stars). 2 submissions from 2 submitters: Uncertain significance (2). Last evaluated 2020-02-18.

Conditions:
Osteogenesis imperfecta (OI). Identifiers: Orphanet 666, MedGen C0029434, MeSH D010013, MONDO:0019019.

Submissions (2):

Cambridge Genomics Laboratory, East Genomic Laboratory Hub, NHS Genomic Medicine Service
Classification: Uncertain significance for Osteogenesis imperfecta. Last evaluated: 2020-02-18. Review status: criteria provided, single submitter. Criteria: ACGS Best Practice Guidelines for Variant Classification in Rare Disease 2020. Collection method: clinical testing. Allele origin: germline. Affected: yes. Observed: 1 variant allele.

Kasturba Medical College, Manipal, Kasturba Medical College, Manipal, Manipal Academy of Higher Education, Manipal, India
Classification: Uncertain significance for Osteogenesis imperfecta. Review status: criteria provided, single submitter. Criteria: ACMG Guidelines, 2015. Collection method: research. Allele origin: maternal. Inheritance: Autosomal dominant inheritance. Affected: yes. Observed: 1 heterozygote.
Comment: The variant c.825_842dup is not observed in in gnomAD database (v4.1.0) and in our in-house data of 3550 exomes. This duplication results in the addition of six amino acids without shifting the reading frame.

NM_000089.4(COL1A2):c.825_842dup (p.Pro281_Arg282insAlaGlyProAlaGlyPro)

Gene: COL1A2 (collagen type I alpha 2 chain; plus strand). Cytogenetic location: 7q21.3.
Variant type: Duplication.
Coding change: c.825_842dup on transcript NM_000089.4 (MANE Select); coding-DNA positions 825 to 842, 18 bases duplicated (TGCTGGTCCCGCCGGTCC).
Protein change: p.Pro281_Arg282insAlaGlyProAlaGlyPro.
Molecular consequence: inframe insertion.
Genome position (GRCh38, 1-based): chr7:94,409,354-94,409,371, TGCTGGTCCCGCCGGTCC duplicated; duplicating any 18 consecutive bases within chr7:94,409,349-94,409,371 gives the same sequence; the c. name uses the placement nearest the transcript's 3' end. VCF-style (leftmost placement, unchanged base first): chr7-94409348-T-TGGTCCTGCTGGTCCCGCC. GRCh37 (hg19) VCF-style: chr7-94038660-T-TGGTCCTGCTGGTCCCGCC.
Identifiers: ClinVar variation 3780966 (VCV003780966.2).
Genomic context (GRCh38, chr7:94,409,348, plus strand): 5'-CTGGTTAATTCCTTGGTTTAATTTCCTCTTTTAGGGTGAAATTGGAGCTGTTGGTAACGC[T>TGGTCCTGCTGGTCCCGCC]GGTCCTGCTGGTCCCGCCGGTCCCCGTGGTGAAGTGGGTCTTCCAGGCCTCTCCGGCCCC-3'